The following is an entry in ClinVar:

NM_033225.6(CSMD1):c.8136T>C (p.Leu2712=)

Genes: CSMD1 (CUB and Sushi multiple domains 1; minus strand), LOC105377785 (uncharacterized LOC105377785; plus strand). Cytogenetic location: 8p23.2.
Variant type: single nucleotide variant.
Coding change: c.8136T>C on transcript NM_033225.6 (MANE Select); coding-DNA position 8136, T replaced by C.
Protein change: p.Leu2712=; no amino-acid change (leucine 2712 retained).
Molecular consequence: synonymous variant. On other transcripts: non-coding transcript variant (1).
Genome position (GRCh38, 1-based): chr8:3,000,025, A>G on the plus strand (T>C on the coding strand, the complement: CSMD1 is on the minus strand). VCF-style: chr8-3000025-A-G. GRCh37 (hg19) VCF-style: chr8-2857547-A-G.
Identifiers: ClinVar variation 3050128 (VCV003050128.2), dbSNP rs191222668, ClinGen allele CA4605723.
Genomic context (GRCh38, chr8:3,000,025, plus strand): 5'-GACAGGCGTTTGTCCAGACCACTTGTGGTCTTGCAGGCATATCCTCACGGAAGTTCCCAC[A>G]AGCCGGAAACCAGGATTGCACTGGTAAACCACCGTGTCTCTGTAACTGAAGCCATCTCCA-3'
Protein context (NP_150094.5, residues 2702-2722): VVYQCNPGFR[Leu2712=]VGTSVRICLQ

ClinVar aggregate classification (germline): Likely benign (0 of 4 stars; one submission).

Conditions:
CSMD1-related disorder. Also called: CSMD1-related condition.

Allele frequency attached by ClinVar (database versions not stated): gnomAD exomes 0.00005; gnomAD 0.00015; TOPMed 0.00015; ExAC 0.00026; 1000 Genomes Project 0.00140; 1000 Genomes Project 30x 0.00172.
gnomAD v4.1: 92 of 1,607,454 alleles (0.0057%); highest among the groups gnomAD compares: East Asian, 0.18%; no homozygotes.

Submission:

PreventionGenetics, part of Exact Sciences
Classification: Likely benign for CSMD1-related condition. Last evaluated: 2019-03-05. Review status: no assertion criteria provided. Collection method: clinical testing. Allele origin: germline.
Comment: This variant is classified as likely benign based on ACMG/AMP sequence variant interpretation guidelines (Richards et al. 2015 PMID: 25741868, with internal and published modifications).